The following is an entry in ClinVar:

NM_000135.4(FANCA):c.1076A>G (p.Tyr359Cys)

Gene: FANCA (FA complementation group A; minus strand). Cytogenetic location: 16q24.3.
Variant type: single nucleotide variant.
Coding change: c.1076A>G on transcript NM_000135.4 (MANE Select); coding-DNA position 1076, A replaced by G.
Protein change: p.Tyr359Cys; replaces tyrosine 359 with cysteine.
Molecular consequence: missense variant.
Genome position (GRCh38, 1-based): chr16:89,792,478, T>C on the plus strand (A>G on the coding strand, the complement: FANCA is on the minus strand). VCF-style: chr16-89792478-T-C. GRCh37 (hg19) VCF-style: chr16-89858886-T-C.
Other names: c.1076A>G, p.Tyr359Cys (NM_001286167.3); c.1076A>G (NM_000135.3); short protein forms Y359C.
Identifiers: ClinVar variation 2182124 (VCV002182124.10), dbSNP rs776751315, ClinGen allele CA8252544.

ClinVar aggregate classification (germline): Conflicting classifications of pathogenicity. Review status: criteria provided, conflicting classifications (1 of 4 stars). 5 submissions from 5 submitters: Uncertain significance (4); Likely benign (1). Last evaluated 2026-04-01.

Conditions:
Inborn genetic diseases. Identifiers: MedGen C0950123, MeSH D030342.
Fanconi anemia (FA). Also called: Fanconi's anemia. Identifiers: Orphanet 84, MedGen C0015625, MeSH D005199, MONDO:0019391.

Allele frequency attached by ClinVar (database versions not stated): gnomAD exomes 0.00002; TOPMed 0.00002; ExAC 0.00006.
gnomAD v4.1: 9 of 1,613,268 alleles (0.00056%); highest among the groups gnomAD compares: Admixed American, 0.015%; no homozygotes.

Submissions (5):

CeGaT Center for Human Genetics Tuebingen
Classification: Uncertain significance. Last evaluated: 2026-04-01. Review status: criteria provided, single submitter. Criteria: CeGaT Center For Human Genetics Tuebingen Variant Classification Criteria Version 2. Collection method: clinical testing. Allele origin: germline. Affected: yes. Observed: 1 variant allele.
Comment: FANCA: PM2, BP4

Labcorp Genetics (formerly Invitae), Labcorp
Classification: Likely benign for Fanconi anemia. Last evaluated: 2025-07-13. Review status: criteria provided, single submitter. Criteria: Invitae Variant Classification Sherloc (09022015). Collection method: clinical testing. Allele origin: germline.

Ambry Genetics
Classification: Uncertain significance for Inborn genetic diseases. Last evaluated: 2025-04-05. Review status: criteria provided, single submitter. Criteria: Ambry Variant Classification Scheme 2023. Collection method: clinical testing. Allele origin: germline.

Quest Diagnostics Nichols Institute San Juan Capistrano
Classification: Uncertain significance. Last evaluated: 2025-01-03. Review status: criteria provided, single submitter. Criteria: Quest Diagnostics criteria. Collection method: clinical testing. Allele origin: unknown.
Comment: The FANCA c.1076A>G (p.Tyr359Cys) variant has not been reported in individuals with FANCA-related conditions in the published literature. The frequency of this variant in the general population (Genome Aggregation Database) is uninformative in the assessment of its pathogenicity. Analysis of this variant using bioinformatics tools for the prediction of the effect of amino acid changes on protein structure and function yielded conflicting predictions that this variant is benign or damaging. Based on the available information, we are unable to determine the clinical significance of this variant.

Blueprint Genetics
Classification: Uncertain significance. Last evaluated: 2020-02-21. Review status: criteria provided, single submitter. Criteria: ACMG Guidelines, 2015. Collection method: clinical testing. Allele origin: germline.